The following is an entry in ClinVar:

NM_000516.7(GNAS):c.1024C>T (p.Arg342Ter)

Gene: GNAS (GNAS complex locus; plus strand). Cytogenetic location: 20q13.32.
Variant type: single nucleotide variant.
Coding change: c.1024C>T on transcript NM_000516.7 (MANE Select); coding-DNA position 1024, C replaced by T.
Protein change: p.Arg342Ter; replaces arginine 342 with a stop codon.
Molecular consequence: nonsense. On other transcripts: 3 prime UTR variant (2).
Genome position (GRCh38, 1-based): chr20:58,910,387, C>T. VCF-style: chr20-58910387-C-T. GRCh37 (hg19) VCF-style: chr20-57485442-C-T.
Other names: c.1027C>T, p.Arg343Ter (NM_001077488.5); c.979C>T, p.Arg327Ter (NM_001077489.4); c.*885C>T (NM_001077490.3); c.847C>T, p.Arg283Ter (NM_001309840.2, NM_001309861.2); c.*930C>T (NM_016592.5); c.2953C>T, p.Arg985Ter (NM_080425.4); c.982C>T, p.Arg328Ter (NM_080426.4); c.1024C>T (NM_000516.5); short protein forms R342*, R343*, R283*, R328*, R985*, R327*.
Identifiers: ClinVar variation 1455167 (VCV001455167.9), dbSNP rs2146300427, ClinGen allele CA409453633.
Genomic context (GRCh38, chr20:58,910,387, plus strand): 5'-TATATAGCTACTCCCGAGCCCGGAGAGGACCCACGCGTGACCCGGGCCAAGTACTTCATT[C>T]GAGATGAGTTTCTGGTGAGTCGAGCCTGTCTTTAGTTTCCTCTCTTGTTCCTCCTCTTTT-3'

ClinVar aggregate classification (germline): Pathogenic. Review status: criteria provided, multiple submitters, no conflicts (2 of 4 stars). 4 submissions from 4 submitters: Pathogenic (4). Last evaluated 2025-02-26.

Conditions:
GNAS-related disorder. Identifiers: MedGen CN380105.
Pseudohypoparathyroidism type 1C (PHP1C). Also called: Pseudohypoparathyroidism Ic (PHP-Ic); PHP IC; PSEUDOHYPOPARATHYROIDISM, TYPE IC. Identifiers: Orphanet 79444, MedGen C2932716, MONDO:0012911, OMIM 612462.
Pituitary adenoma 3, multiple types. Also called: PITUITARY ADENOMA 3, ACTH-SECRETING, SOMATIC; PITUITARY ADENOMA 3, GROWTH HORMONE-SECRETING, SOMATIC. Identifiers: MedGen C4540135, MONDO:0054665, OMIM 617686.
Progressive osseous heteroplasia (POH). Also called: Osseus Heteroplasia, Progressive; Osteoma cutis; Progressive Osseus Heteroplasia (POH); ECTOPIC OSSIFICATION, FAMILIAL. Identifiers: Orphanet 2762, MedGen C0334041, MONDO:0008153, OMIM 166350, HP:0025027.
Pseudopseudohypoparathyroidism (PPHP). Also called: ALBRIGHT HEREDITARY OSTEODYSTROPHY WITHOUT MULTIPLE HORMONE RESISTANCE; Pseudopseudohypoparathyroidism (PPHP). Identifiers: Orphanet 79445, MedGen C0033835, MONDO:0012912, OMIM 612463.
Pseudohypoparathyroidism type 1B (PHP1B). Also called: Pseudohypoparathyroidism Ib (PHP-Ib); Pseudohypoparathyroidism Type IB; PHP IB. Identifiers: Orphanet 94089, MedGen C1864100, MONDO:0011301, OMIM 603233.
ACTH-independent macronodular adrenal hyperplasia 1 (AIMAH1). Also called: ACTH-INDEPENDENT MACRONODULAR ADRENOCORTICAL HYPERPLASIA; ADRENOCORTICOTROPIC HORMONE-INDEPENDENT MACRONODULAR ADRENAL HYPERPLASIA; CORTICOTROPIN-INDEPENDENT MACRONODULAR ADRENAL HYPERPLASIA; CUSHING SYNDROME, ADRENAL, DUE TO AIMAH; ACTH-independent macronodular adrenal hyperplasia, somatic. Identifiers: MedGen C1857451, MONDO:0020735, OMIM 219080.
Pseudohypoparathyroidism type I A (PHP1A). Also called: Pseudohypoparathyroidism Type IA; ALBRIGHT HEREDITARY OSTEODYSTROPHY WITH MULTIPLE HORMONE RESISTANCE; Pseudohypoparathyroidism Ia (PHP-Ia); PHP IA; Pseudohypoparathyroidism type 1A. Identifiers: Orphanet 79443, MedGen C3494506, MONDO:0007078, OMIM 103580.
McCune-Albright syndrome (MAS). Also called: ALBRIGHT SYNDROME; Albright's disease; Albright's Syndrome; Fibrous Dysplasia / McCune-Albright Syndrome; McCune-Albright syndrome, somatic, mosaic. Identifiers: Orphanet 562, MedGen C0242292, MONDO:0018919, OMIM 174800.

Submissions (4):

PreventionGenetics, part of Exact Sciences
Classification: Pathogenic for GNAS-related condition. Last evaluated: 2025-02-26. Review status: criteria provided, single submitter. Criteria: ACMG Guidelines, 2015. Collection method: clinical testing. Allele origin: germline.
Comment: The GNAS c.1024C>T variant is predicted to result in premature protein termination (p.Arg342*). This variant was reported in several individuals with pseudohypoparathyroidism 1a (Linglart et al 2002. PubMed ID: 11788646; Reported as c.1024C>T in Salemi P et al 2018. PubMed ID: 29059381; Supp. Table 2 reported as c.1027C>T in Snanoudj S et al 2020. PubMed ID: 31886927). This variant has not been reported in a large population database, indicating this variant is rare. Nonsense variants in GNAS are expected to be pathogenic. This variant is interpreted as pathogenic.

Fulgent Genetics
Classification: Pathogenic for Pseudohypoparathyroidism type I A; Progressive osseous heteroplasia; McCune-Albright syndrome; ACTH-independent macronodular adrenal hyperplasia 1; Pseudohypoparathyroidism type 1B; Pseudohypoparathyroidism type 1C; Pseudopseudohypoparathyroidism; Pituitary adenoma 3, multiple types. Last evaluated: 2024-05-30. Review status: criteria provided, single submitter. Criteria: ACMG Guidelines, 2015. Collection method: clinical testing. Allele origin: germline.

Labcorp Genetics (formerly Invitae), Labcorp
Classification: Pathogenic. Last evaluated: 2024-02-20. Review status: criteria provided, single submitter. Criteria: Invitae Variant Classification Sherloc (09022015). Collection method: clinical testing. Allele origin: germline.
Comment: This sequence change creates a premature translational stop signal (p.Arg342*) in the GNAS gene. While this is not anticipated to result in nonsense mediated decay, it is expected to disrupt the last 53 amino acid(s) of the GNAS protein. This variant is not present in population databases (gnomAD no frequency). This premature translational stop signal has been observed in individual(s) with progressive osseous heteroplasia and/or pseudohypoparathyroidism (PMID: 11788646, 20480732). In at least one individual the variant was observed to be de novo. ClinVar contains an entry for this variant (Variation ID: 1455167). For these reasons, this variant has been classified as Pathogenic.

Blueprint Genetics
Classification: Pathogenic for GNAS-related disorders. Last evaluated: 2022-05-12. Review status: criteria provided, single submitter. Criteria: ACMG Guidelines, 2015. Collection method: clinical testing. Allele origin: de novo. Affected: yes. Observed: 1 variant allele.

Literature cited by the submitters: PubMed 11788646 (cited by Labcorp Genetics (formerly Invitae), Labcorp); PubMed 20480732 (cited by Labcorp Genetics (formerly Invitae), Labcorp).